The following is an entry in ClinVar:

ClinVar aggregate classification (germline): Benign/Likely benign. Review status: criteria provided, multiple submitters, no conflicts (2 of 4 stars). 7 submissions from 6 submitters: Benign (1); Likely benign (6). Last evaluated 2025-12-27.

Conditions:
SH3TC2-related disorder. Also called: SH3TC2-related condition; SH3TC2-related disorders. Identifiers: MedGen CN239303.
Charcot-Marie-Tooth disease type 4. Also called: Charcot-Marie-Tooth disease, type IV; Charcot-Marie-Tooth, Type 4. Identifiers: Orphanet 64749, MedGen C4082197, MONDO:0018995.
Charcot-Marie-Tooth disease type 4C (CMT4C). Also called: Charcot-Marie-Tooth Neuropathy Type 4C (CMT4C); CHARCOT-MARIE-TOOTH DISEASE, DEMYELINATING, TYPE 4C; CHARCOT-MARIE-TOOTH DISEASE, DEMYELINATING, AUTOSOMAL RECESSIVE, TYPE 4C; SH3TC2-Related Hereditary Motor and Sensory Neuropathy; CMT 4C. Identifiers: Orphanet 99949, MedGen C1866636, MONDO:0011113, OMIM 601596.
Susceptibility to mononeuropathy of the median nerve, mild. Also called: CARPAL TUNNEL SYNDROME, SUSCEPTIBILITY TO. Identifiers: MedGen C3150596, MONDO:0013237, OMIM 613353.

Allele frequency attached by ClinVar (database versions not stated): gnomAD 0.00010; TOPMed 0.00027; ExAC 0.00077.
gnomAD v4.1: 301 of 1,614,014 alleles (0.019%); highest among the groups gnomAD compares: Admixed American, 0.5%; 2 homozygotes.

Submissions (7):

Labcorp Genetics (formerly Invitae), Labcorp
Classification: Likely benign for Charcot-Marie-Tooth disease type 4. Last evaluated: 2025-12-27. Review status: criteria provided, single submitter. Criteria: Invitae Variant Classification Sherloc (09022015). Collection method: clinical testing. Allele origin: germline.

PreventionGenetics, part of Exact Sciences
Classification: Likely benign for SH3TC2-related condition. Last evaluated: 2024-10-31. Review status: criteria provided, single submitter. Criteria: ACMG Guidelines, 2015. Collection method: clinical testing. Allele origin: germline.
Comment: This variant is classified as likely benign based on ACMG/AMP sequence variant interpretation guidelines (Richards et al. 2015 PMID: 25741868, with internal and published modifications).

Blueprint Genetics
Classification: Likely benign. Last evaluated: 2022-09-12. Review status: criteria provided, single submitter. Criteria: ACMG Guidelines, 2015. Collection method: clinical testing. Allele origin: germline.

GeneDx
Classification: Likely benign. Last evaluated: 2021-02-12. Review status: criteria provided, single submitter. Criteria: GeneDx Variant Classification Process June 2021. Collection method: clinical testing. Allele origin: germline. Affected: yes.

Athena Diagnostics
Classification: Benign. Last evaluated: 2019-04-08. Review status: criteria provided, single submitter. Criteria: Athena Diagnostics Criteria. Collection method: clinical testing. Allele origin: germline.

Illumina Laboratory Services, Illumina
Classification: Likely benign for Susceptibility to mononeuropathy of the median nerve, mild. Last evaluated: 2018-01-13. Review status: criteria provided, single submitter. Criteria: ICSL Variant Classification Criteria 13 December 2019. Collection method: clinical testing. Allele origin: germline.
Comment: This variant was observed in the ICSL laboratory as part of a predisposition screen in an ostensibly healthy population. It had not been previously curated by ICSL or reported in the Human Gene Mutation Database (HGMD: prior to June 1st, 2018), and was therefore a candidate for classification through an automated scoring system. Utilizing variant allele frequency, disease prevalence and penetrance estimates, and inheritance mode, an automated score was calculated to assess if this variant is too frequent to cause the disease. Based on the score and internal cut-off values, a variant classified as likely benign is not then subjected to further curation. The score for this variant resulted in a classification of likely benign for this disease.

Illumina Laboratory Services, Illumina
Classification: Likely benign for Charcot-Marie-Tooth disease type 4C. Last evaluated: 2018-01-13. Review status: criteria provided, single submitter. Criteria: ICSL Variant Classification Criteria 13 December 2019. Collection method: clinical testing. Allele origin: germline.
Comment: the same text as in the submission from Illumina Laboratory Services, Illumina above.

NM_024577.4(SH3TC2):c.188G>A (p.Arg63Lys)

Gene: SH3TC2 (SH3 domain and tetratricopeptide repeats 2; minus strand). Cytogenetic location: 5q32.
Variant type: single nucleotide variant.
Coding change: c.188G>A on transcript NM_024577.4 (MANE Select); coding-DNA position 188, G replaced by A.
Protein change: p.Arg63Lys; replaces arginine 63 with lysine.
Molecular consequence: missense variant.
Genome position (GRCh38, 1-based): chr5:149,047,953, C>T on the plus strand (G>A on the coding strand, the complement: SH3TC2 is on the minus strand). VCF-style: chr5-149047953-C-T. GRCh37 (hg19) VCF-style: chr5-148427516-C-T.
Other names: short protein forms R63K.
Identifiers: ClinVar variation 414372 (VCV000414372.21), dbSNP rs747938069, ClinGen allele CA3499600.